The following is an entry in ClinVar:

ClinVar aggregate classification (germline): Uncertain significance (1 of 4 stars; one submission).

Submission:

GeneDx
Classification: Uncertain significance. Last evaluated: 2014-03-31. Review status: criteria provided, single submitter. Criteria: GeneDx Variant Classification (06012015). Collection method: clinical testing. Allele origin: germline. Affected: yes.
Comment: This variant is denoted ATM c.9102_9103delGCinsTT at the cDNA level and p.Leu3034_Leu3035delinsPhePhe (L3034_L3035delinsFF) at the protein level. The normal sequence, with the bases that are deleted and inserted in brackets, is ATTT[delGCinsTT]TCA. The deletion and insertion results in the replacement of two Leucine residues with two Phenylalanine residues, creating two adjacent missense changes: Leu3034Phe and Leu3035Phe. This combined variant has not, to our knowledge, been reported in the literature as pathogenic or benign. Although one missense variant, Leu3035Phe, has been reported in an individual with Ataxia Telangiectasia who also carried a nonsense ATM variant, phase of the variants was not determined through parental testing (Cavalieri 2006). ATM 9102_9103delGCinsTT was not observed in approximately 6,500 individuals of European and African American ancestry in the NHLBI Exome Sequencing Project, indicating it is not a common benign variant in these populations. Since Leucine and Phenylalanine share similar properties, this is considered a conservative amino acid substitution and is unlikely to affect protein integrity. This variant occurs at a position that is well conserved across species and is located in the FATC domain. Based on currently available information, it is unclear whether this variant is pathogenic or benign. We consider it to be a variant of uncertain significance. This variant appears to be mosaic, as the variant allele was present but underrepresented in comparison to the normal allele. This result was confirmed using alternate, non-overlapping primers, making it unlikely that this result is due to preferential amplification of the normal allele. Therefore, this variant is interpreted to be present in some, but not all, cells in this peripheral blood specimen. Neither Sanger nor Next Generation sequencing is a quantitative test; thus, it is not possible to determine more precisely the level of mosaicism in this specimen. Moreover, the level of mosaicism may be different in other tissues. As somatic mosaicism generally results from a post-zygotic event, parents and siblings are not likely at risk to carry this mosaic mutation. Germline mosaicism and transmission to the offspring of this patient, however, cannot be excluded.

NM_000051.4(ATM):c.9102_9103delinsTT (p.Leu3034_Leu3035delinsPhePhe)

Genes: ATM (ATM serine/threonine kinase; plus strand), C11orf65 (chromosome 11 open reading frame 65; minus strand). Cytogenetic location: 11q22.3.
Variant type: Indel.
Coding change: c.9102_9103delinsTT on transcript NM_000051.4 (MANE Select); coding-DNA positions 9102 to 9103, GC replaced by TT.
Protein change: p.Leu3034_Leu3035delinsPhePhe.
Molecular consequence: missense variant. On other transcripts: intron variant (2).
Genome position (GRCh38, 1-based): chr11:108,365,439-108,365,440, GC replaced by TT. VCF-style: chr11-108365439-GC-TT. GRCh37 (hg19) VCF-style: chr11-108236166-GC-TT.
Other names: c.9102_9103delinsTT, p.Leu3034_Leu3035delinsPhePhe (NM_001351834.2); c.640+20480_640+20481delinsAA (NM_001330368.2); c.694+20480_694+20481delinsAA (NM_001351110.2).
Identifiers: ClinVar variation 181879 (VCV000181879.4), dbSNP rs730881308, ClinGen allele CA298022.